The following is an entry in ClinVar:

Conditions:
Breast-ovarian cancer, familial, susceptibility to, 1 (BROVCA1). Also called: BRCA1 Hereditary Breast and Ovarian Cancer; OVARIAN CANCER, SUSCEPTIBILITY TO. Identifiers: Orphanet 145, MedGen C2676676, MONDO:0011450, OMIM 604370. Disease mechanism: loss of function.

Submission:

Brotman Baty Institute, University of Washington
No classification provided (evidence only). Condition: Breast-ovarian cancer, familial 1. Review status: no classification provided. Collection method: in vitro. Allele origin: not applicable. Functional consequence: functionally_normal.
ClinVar note: "not provided" was previously submitted as the classification for the variant. However, the classification appeared to be based only on an observation of functional data so it was converted to no classification on 2025-07-30.

NM_007294.4(BRCA1):c.5193+24A>G

Gene: BRCA1 (BRCA1 DNA repair associated; minus strand). Cytogenetic location: 17q21.31.
Variant type: single nucleotide variant.
Coding change: c.5193+24A>G on transcript NM_007294.4 (MANE Select); 24 bases into the intron after coding-DNA position 5193, A replaced by G.
Molecular consequence: intron variant.
Genome position (GRCh38, 1-based): chr17:43,063,309, T>C on the plus strand (A>G on the coding strand, the complement: BRCA1 is on the minus strand). VCF-style: chr17-43063309-T-C. GRCh37 (hg19) VCF-style: chr17-41215326-T-C.
Other names: c.5109+24A>G (NM_001407660.1, NM_001407661.1, NM_001407663.1 and 2 more transcripts); c.1680+24A>G (NM_001408476.1, NM_001408475.1); c.1683+24A>G (NM_001408474.1); c.4992+24A>G (NM_001407862.1); c.1872+24A>G (NM_001408409.1); c.5112+24A>G (NM_001407658.1, NM_001407656.1, NM_001407657.1); c.5115+24A>G (NM_001407653.1, NM_001407655.1, NM_001407654.1 and 1 more transcripts); c.4854+24A>G (NM_001407958.1, NM_001407956.1, NM_001407957.1); and 72 more.
Identifiers: ClinVar variation 868152 (VCV000868152.3), dbSNP rs2051848504, ClinGen allele CA916079986.